The following is an entry in ClinVar:

ClinVar aggregate classification (germline): Pathogenic (1 of 4 stars; one submission).

Conditions:
Autosomal recessive nonsyndromic hearing loss 77. Identifiers: Orphanet 90636, MedGen C2746083, MONDO:0013119, OMIM 613079.

Submission:

Laboratory of Prof. Karen Avraham, Tel Aviv University
Classification: Pathogenic for Autosomal recessive nonsyndromic hearing loss 77. Last evaluated: 2020-12-31. Review status: criteria provided, single submitter. Criteria: ACMG Guidelines, 2015. Collection method: research. Allele origin: germline. Inheritance: Autosomal recessive inheritance. Affected: yes.
Comment: Recessive, compound heterozygous with NM_144612.6:c.4714C>T; Childhood onset, moderate-profound, progressive NSHL

NM_001384474.1(LOXHD1):c.46del (p.Leu16fs)

Gene: LOXHD1 (lipoxygenase homology PLAT domains 1; minus strand). Cytogenetic location: 18q21.1.
Variant type: Deletion.
Coding change: c.46del on transcript NM_001384474.1 (MANE Select); coding-DNA position 46, one base deleted (C; older notation c.46delC).
Protein change: p.Leu16fs; shifts the reading frame from leucine 16.
Molecular consequence: frameshift variant.
Genome position (GRCh38, 1-based): chr18:46,656,988, G deleted on the plus strand (C on the coding strand, the reverse complement: LOXHD1 is on the minus strand); the first of 2 consecutive G bases (chr18:46,656,988-46,656,989); deleting either gives the same sequence. VCF-style (leftmost placement, unchanged base first): chr18-46656987-AG-A. GRCh37 (hg19) VCF-style: chr18-44236950-AG-A.
Other names: c.46del, p.Leu16fs (NM_144612.7); c.46delC (NM_144612.6); short protein forms L16fs.
Identifiers: ClinVar variation 813824 (VCV000813824.3), dbSNP rs1599083635, ClinGen allele CA915952471.